The following is an entry in ClinVar:

NM_001348699.2(SAXO2):c.708_709del (p.Arg237fs)

Gene: SAXO2 (stabilizer of axonemal microtubules 2; plus strand). Cytogenetic location: 15q25.2.
Variant type: Deletion.
Coding change: c.708_709del on transcript NM_001348699.2 (MANE Select); coding-DNA positions 708 to 709, 2 bases deleted (AC; older notation c.708_709delAC).
Protein change: p.Arg237fs; shifts the reading frame from arginine 237.
Molecular consequence: frameshift variant. On other transcripts: 3 prime UTR variant (1).
Genome position (GRCh38, 1-based): chr15:82,282,393-82,282,394, AC deleted. VCF-style (leftmost placement, unchanged base first): chr15-82282392-AAC-A. GRCh37 (hg19) VCF-style: chr15-82574733-AAC-A.
Other names: c.567_568del, p.Arg190fs (NM_001348701.2, NM_001348700.2); c.483_484del, p.Arg162fs (NM_001348702.2, NM_001348703.2); c.303_304del, p.Arg102fs (NM_001348704.2); c.*265_*266del (NM_001348706.2); c.528_529del, p.Arg177fs (NM_001008226.2); short protein forms R102fs, R162fs, R177fs, R190fs, R237fs.
Identifiers: ClinVar variation 4880091 (VCV004880091.1).

ClinVar aggregate classification (germline): Uncertain significance (1 of 4 stars; one submission).

Conditions:
Primary ciliary dyskinesia. Also called: Ciliary dyskinesia. Identifiers: Orphanet 244, MedGen C0008780, MONDO:0016575, HP:0012265.

Submission:

Department of Human Genetics, Hannover Medical School
Classification: Uncertain significance for Primary Ciliary Dyskinesia. Last evaluated: 2026-04-01. Review status: criteria provided, single submitter. Criteria: ACMG Guidelines, 2015. Collection method: research. Allele origin: germline. Affected: no.
Comment: Classification performed by HerediClassify using the following criteria:['PVS1_protein_strong: Transcript ENST00000682753 is not predicted to undergo NMD. Protein length change of 0.482532751091703 observed.']